The following is an entry in ClinVar:

ClinVar aggregate classification (germline): Pathogenic. Review status: reviewed by expert panel (3 of 4 stars). 2 submissions from 2 submitters: Pathogenic (1). 1 of the submissions does not count toward it. Last evaluated 2017-12-15.

Conditions:
Hereditary cancer-predisposing syndrome. Also called: Hereditary Cancer Syndrome; Neoplastic Syndromes, Hereditary; Tumor predisposition; Hereditary neoplastic syndrome. Identifiers: Orphanet 140162, MedGen C0027672, MeSH D009386, MONDO:0015356.
Breast-ovarian cancer, familial, susceptibility to, 2 (BROVCA2). Also called: BRCA2 Hereditary Breast and Ovarian Cancer. Identifiers: Orphanet 145, MedGen C2675520, MONDO:0012933, OMIM 612555. Disease mechanism: loss of function.

Submissions (2):

Evidence-based Network for the Interpretation of Germline Mutant Alleles (ENIGMA)
Classification: Pathogenic for Breast-ovarian cancer, familial, susceptibility to, 2. Last evaluated: 2017-12-15. Review status: reviewed by expert panel. Criteria: ENIGMA BRCA1/2 Classification Criteria (2017-06-29). Collection method: curation. Allele origin: germline. Study: ENIGMA.
Comment: Variant allele predicted to encode a truncated non-functional protein.

Ambry Genetics
Classification: Pathogenic for Hereditary cancer-predisposing syndrome. Last evaluated: 2015-05-14. Review status: criteria provided, single submitter. Criteria: Ambry Variant Classification Scheme 2023. Collection method: clinical testing. Allele origin: germline. Not counted in ClinVar's aggregate classification.
Comment: The p.Y296* pathogenic mutation (also known as c.888T>A) located in coding exon 9 of the BRCA2 gene, results from a T to A substitution at nucleotide position 888. This changes the amino acid from a tyrosine to a stop codon within coding exon 9. Since premature stop codons are typically deleterious in nature, this alteration is interpreted as a disease-causing mutation (ACMG Recommendations for Standards for Interpretation and Reporting of Sequence Variations. Revision 2007. Genet Med. 2008;10:294).

NM_000059.4(BRCA2):c.888T>A (p.Tyr296Ter)

Gene: BRCA2 (BRCA2 DNA repair associated; plus strand). Cytogenetic location: 13q13.1.
Variant type: single nucleotide variant.
Coding change: c.888T>A on transcript NM_000059.4 (MANE Select); coding-DNA position 888, T replaced by A.
Protein change: p.Tyr296Ter; replaces tyrosine 296 with a stop codon.
Molecular consequence: nonsense.
Genome position (GRCh38, 1-based): chr13:32,332,366, T>A. VCF-style: chr13-32332366-T-A. GRCh37 (hg19) VCF-style: chr13-32906503-T-A.
Other names: short protein forms Y296*.
Identifiers: ClinVar variation 231782 (VCV000231782.5), dbSNP rs876659359, ClinGen allele CA10579477.
Genomic context (GRCh38, chr13:32,332,366, plus strand): 5'-AAATAGCTGCAAAGACCACATTGGAAAGTCAATGCCAAATGTCCTAGAAGATGAAGTATA[T>A]GAAACAGTTGTAGATACCTCTGAAGAAGATAGTTTTTCATTATGTTTTTCTAAATGTAGA-3'